The following is an entry in ClinVar:

ClinVar aggregate classification (germline): Uncertain significance (1 of 4 stars; one submission).

Allele frequency attached by ClinVar (database versions not stated): gnomAD exomes 0.00002; ExAC 0.00004; TOPMed 0.00017; gnomAD 0.00019.
gnomAD v4.1: 68 of 1,613,702 alleles (0.0042%); highest among the groups gnomAD compares: African/African-American, 0.055%; 1 homozygote.

Submission:

Mayo Clinic Laboratories, Mayo Clinic
Classification: Uncertain significance. Last evaluated: 2022-10-27. Review status: criteria provided, single submitter. Criteria: ACMG Guidelines, 2015. Collection method: clinical testing. Allele origin: germline. Observed: 1 variant allele.
Comment: BP4, PM2

NM_001039141.3(TRIOBP):c.653C>T (p.Ala218Val)

Gene: TRIOBP (TRIO and F-actin binding protein; plus strand). Cytogenetic location: 22q13.1.
Variant type: single nucleotide variant.
Coding change: c.653C>T on transcript NM_001039141.3 (MANE Select); coding-DNA position 653, C replaced by T.
Protein change: p.Ala218Val; replaces alanine 218 with valine.
Molecular consequence: missense variant.
Genome position (GRCh38, 1-based): chr22:37,723,209, C>T. VCF-style: chr22-37723209-C-T. GRCh37 (hg19) VCF-style: chr22-38119216-C-T.
Other names: p.Ala218Val; short protein forms A218V.
Identifiers: ClinVar variation 2683572 (VCV002683572.1), dbSNP rs768305451, ClinGen allele CA10223424.